The following is an entry in ClinVar:

ClinVar aggregate classification (germline): Uncertain significance (1 of 4 stars; one submission).

gnomAD v4.1: 14 of 1,612,488 alleles (0.00087%); highest among the groups gnomAD compares: East Asian, 0.0022%; no homozygotes.

Submission:

Labcorp Genetics (formerly Invitae), Labcorp
Classification: Uncertain significance. Last evaluated: 2025-10-15. Review status: criteria provided, single submitter. Criteria: Invitae Variant Classification Sherloc (09022015). Collection method: clinical testing. Allele origin: germline.
Comment: This sequence change replaces arginine, which is basic and polar, with glutamine, which is neutral and polar, at codon 152 of the ARHGEF1 protein (p.Arg152Gln). This variant is present in population databases (no rsID available, gnomAD 0.006%). This variant has not been reported in the literature in individuals affected with ARHGEF1-related conditions. ClinVar contains an entry for this variant (Variation ID: 1508953). An algorithm developed to predict the effect of missense changes on protein structure and function outputs the following: PolyPhen-2: "Benign". The glutamine amino acid residue is found in multiple mammalian species, which suggests that this missense change does not adversely affect protein function. In summary, the available evidence is currently insufficient to determine the role of this variant in disease. Therefore, it has been classified as a Variant of Uncertain Significance.

NM_004706.4(ARHGEF1):c.410G>A (p.Arg137Gln)

Gene: ARHGEF1 (Rho guanine nucleotide exchange factor 1; plus strand). Cytogenetic location: 19q13.2.
Variant type: single nucleotide variant.
Coding change: c.410G>A on transcript NM_004706.4 (MANE Select); coding-DNA position 410, G replaced by A.
Protein change: p.Arg137Gln; replaces arginine 137 with glutamine.
Molecular consequence: missense variant.
Genome position (GRCh38, 1-based): chr19:41,892,645, G>A. VCF-style: chr19-41892645-G-A. GRCh37 (hg19) VCF-style: chr19-42396716-G-A.
Other names: c.311G>A, p.Arg104Gln (NM_198977.2); c.455G>A, p.Arg152Gln (NM_199002.2); short protein forms R152Q, R104Q, R137Q.
Identifiers: ClinVar variation 1508953 (VCV001508953.8), dbSNP rs376815607, ClinGen allele CA406047845.